The following is an entry in ClinVar:

ClinVar aggregate classification (germline): Pathogenic (1 of 4 stars; one submission).

Conditions:
COG4-congenital disorder of glycosylation. Also called: COG4-CDG; CONGENITAL DISORDER OF GLYCOSYLATION, TYPE IIj; CDG IIj. Identifiers: Orphanet 263501, MedGen C4303552, MONDO:0013281, OMIM 613489.

Submission:

Labcorp Genetics (formerly Invitae), Labcorp
Classification: Pathogenic for COG4-congenital disorder of glycosylation. Last evaluated: 2026-01-06. Review status: criteria provided, single submitter. Criteria: Invitae Variant Classification Sherloc (09022015). Collection method: clinical testing. Allele origin: germline.
Comment: This sequence change creates a premature translational stop signal (p.Arg375Thrfs*8) in the COG4 gene. It is expected to result in an absent or disrupted protein product. Loss-of-function variants in COG4 are known to be pathogenic (PMID: 21185756). This variant is present in population databases (no rsID available, gnomAD 0.0009%). This variant has not been reported in the literature in individuals affected with COG4-related conditions. Algorithms developed to predict the effect of sequence changes on RNA splicing suggest that this variant may disrupt the consensus splice site. For these reasons, this variant has been classified as Pathogenic.

Literature cited by the submitters: PubMed 21185756.

NM_015386.3(COG4):c.1122dup (p.Arg375fs)

Gene: COG4 (component of oligomeric golgi complex 4; minus strand). Cytogenetic location: 16q22.1.
Variant type: Duplication.
Coding change: c.1122dup on transcript NM_015386.3 (MANE Select); coding-DNA position 1122, one base duplicated (A; older notation c.1122dupA).
Protein change: p.Arg375fs; shifts the reading frame from arginine 375.
Molecular consequence: frameshift variant. On other transcripts: non-coding transcript variant (1).
Genome position (GRCh38, 1-based): chr16:70,501,031, T duplicated on the plus strand (A on the coding strand, the reverse complement: COG4 is on the minus strand). VCF-style (leftmost placement, unchanged base first): chr16-70501030-G-GT. GRCh37 (hg19) VCF-style: chr16-70534933-G-GT.
Other names: c.1110dup, p.Arg371fs (NM_001195139.2); c.696dup, p.Arg233fs (NM_001365426.1); short protein forms R233fs, R375fs, R371fs.
Identifiers: ClinVar variation 4726045 (VCV004726045.1).
Genomic context (GRCh38, chr16:70,501,030, plus strand): 5'-CCTCTGAGGCCATGGAGTCTCCCACCTCAAAATCAGAGCTAATCCTCTTCTTGAGGAAGC[G>GT]TAAGTATAGCTCACTGCGGGCATTCATCAGGGTGACCTCAGTCAGGATGGGGTCCAGTTC-3'